The following is an entry in ClinVar:

NM_015981.4(CAMK2A):c.59G>A (p.Gly20Asp)

Gene: CAMK2A (calcium/calmodulin dependent protein kinase II alpha; minus strand). Cytogenetic location: 5q32.
Variant type: single nucleotide variant.
Coding change: c.59G>A on transcript NM_015981.4 (MANE Select); coding-DNA position 59, G replaced by A.
Protein change: p.Gly20Asp; replaces glycine 20 with aspartic acid.
Molecular consequence: missense variant.
Genome position (GRCh38, 1-based): chr5:150,289,567, C>T on the plus strand (G>A on the coding strand, the complement: CAMK2A is on the minus strand). VCF-style: chr5-150289567-C-T. GRCh37 (hg19) VCF-style: chr5-149669130-C-T.
Other names: c.59G>A, p.Gly20Asp (NM_001363989.1, NM_001363990.1, NM_001369025.2 and 1 more transcripts); short protein forms G20D.
Identifiers: ClinVar variation 1285567 (VCV001285567.1), dbSNP rs2150315525, ClinGen allele CA361722843.

ClinVar aggregate classification (germline): Likely pathogenic (1 of 4 stars; one submission).

Conditions:
Intellectual developmental disorder, autosomal dominant 53. Also called: MENTAL RETARDATION, AUTOSOMAL DOMINANT 53; Intellectual disability, autosomal dominant 53. Identifiers: MedGen C4540481, MONDO:0030919, OMIM 617798.

Submission:

Institute of Human Genetics, University of Leipzig Medical Center
Classification: Likely pathogenic for Intellectual developmental disorder, autosomal dominant 53. Last evaluated: 2020-09-09. Review status: criteria provided, single submitter. Criteria: ACMG Guidelines, 2015. Collection method: clinical testing. Allele origin: de novo. Affected: yes.
Comment: This variant was identified as de novo (maternity and paternity confirmed).